The following is an entry in ClinVar:

ClinVar aggregate classification (germline): Uncertain significance (1 of 4 stars; one submission).

Allele frequency attached by ClinVar (database versions not stated): ExAC 0.00002; ESP Exome Variant Server 0.00008.
gnomAD v4.1: 143 of 1,613,950 alleles (0.0089%); highest among the groups gnomAD compares: Non-Finnish European, 0.011%; no homozygotes.

Submission:

Labcorp Genetics (formerly Invitae), Labcorp
Classification: Uncertain significance. Last evaluated: 2024-06-24. Review status: criteria provided, single submitter. Criteria: Invitae Variant Classification Sherloc (09022015). Collection method: clinical testing. Allele origin: germline.
Comment: This sequence change replaces serine, which is neutral and polar, with cysteine, which is neutral and slightly polar, at codon 3777 of the VPS13D protein (p.Ser3777Cys). This variant is present in population databases (rs149521489, gnomAD 0.009%). This variant has not been reported in the literature in individuals affected with VPS13D-related conditions. ClinVar contains an entry for this variant (Variation ID: 2160264). Advanced modeling of protein sequence and biophysical properties (such as structural, functional, and spatial information, amino acid conservation, physicochemical variation, residue mobility, and thermodynamic stability) has been performed at Invitae for this missense variant, however the output from this modeling did not meet the statistical confidence thresholds required to predict the impact of this variant on VPS13D protein function. In summary, the available evidence is currently insufficient to determine the role of this variant in disease. Therefore, it has been classified as a Variant of Uncertain Significance.

NM_015378.4(VPS13D):c.11330C>G (p.Ser3777Cys)

Gene: VPS13D (vacuolar protein sorting 13 homolog D; plus strand). Cytogenetic location: 1p36.22.
Variant type: single nucleotide variant.
Coding change: c.11330C>G on transcript NM_015378.4 (MANE Select); coding-DNA position 11330, C replaced by G.
Protein change: p.Ser3777Cys; replaces serine 3777 with cysteine.
Molecular consequence: missense variant.
Genome position (GRCh38, 1-based): chr1:12,383,115, C>G. VCF-style: chr1-12383115-C-G. GRCh37 (hg19) VCF-style: chr1-12443174-C-G.
Other names: c.11255C>G, p.Ser3752Cys (NM_018156.4); short protein forms S3752C, S3777C.
Identifiers: ClinVar variation 2160264 (VCV002160264.2), dbSNP rs149521489, ClinGen allele CA603914.